The following is an entry in ClinVar:

NM_007294.4(BRCA1):c.1782G>A (p.Met594Ile)

Gene: BRCA1 (BRCA1 DNA repair associated; minus strand). Cytogenetic location: 17q21.31.
Variant type: single nucleotide variant.
Coding change: c.1782G>A on transcript NM_007294.4 (MANE Select); coding-DNA position 1782, G replaced by A.
Protein change: p.Met594Ile; replaces methionine 594 with isoleucine.
Molecular consequence: missense variant. On other transcripts: intron variant (137).
Genome position (GRCh38, 1-based): chr17:43,093,749, C>T on the plus strand (G>A on the coding strand, the complement: BRCA1 is on the minus strand). VCF-style: chr17-43093749-C-T. GRCh37 (hg19) VCF-style: chr17-41245766-C-T.
Other names: c.667+2097G>A (NM_001408424.1, NM_001408431.1, NM_001408421.1); c.784+995G>A (NM_001408407.1, NM_001408402.1, NM_001408473.1 and 13 more transcripts); c.586+995G>A (NM_001408474.1, NM_001408476.1); c.709+995G>A (NM_001408409.1, NM_001408412.1, NM_001408414.1 and 2 more transcripts); c.574+995G>A (NM_001408493.1, NM_001408490.1, NM_001408491.1); c.454+995G>A (NM_001408502.1); c.577+995G>A (NM_001408489.1, NM_001408479.1, NM_001408481.1 and 9 more transcripts); c.664+995G>A (NM_001408443.1, NM_001408439.1, NM_001408425.1 and 12 more transcripts); and 40 more; short protein forms M547I, M594I, M298I, M506I, M523I, M524I, M546I, M568I.
Identifiers: ClinVar variation 1053889 (VCV001053889.12), dbSNP rs2154423571, ClinGen allele CA10598457.

ClinVar aggregate classification (germline): Conflicting classifications of pathogenicity. Review status: criteria provided, conflicting classifications (1 of 4 stars). 2 submissions from 2 submitters: Uncertain significance (1); Likely benign (1). Last evaluated 2023-03-23.

Conditions:
Hereditary cancer-predisposing syndrome. Also called: Hereditary Cancer Syndrome; Tumor predisposition; Hereditary neoplastic syndrome; Neoplastic Syndromes, Hereditary. Identifiers: Orphanet 140162, MedGen C0027672, MeSH D009386, MONDO:0015356.
Hereditary breast ovarian cancer syndrome. Also called: Hereditary breast and/or ovarian cancer syndrome; Hereditary breast and ovarian cancer syndrome; Hereditary breast and ovarian cancer syndrome (HBOC); Breast and ovarian cancer; Hereditary breast and ovarian cancer; BRCA1- and BRCA2-Associated Hereditary Breast and Ovarian Cancer. Identifiers: Orphanet 145, MedGen C0677776, MeSH D061325, MONDO:0003582. Disease mechanism: loss of function.

Submissions (2):

University of Washington Department of Laboratory Medicine, University of Washington
Classification: Likely benign for Hereditary cancer-predisposing syndrome. Last evaluated: 2023-03-23. Review status: criteria provided, single submitter. Criteria: Dines et al. (Genet Med. 2020). Collection method: curation. Allele origin: germline.
Comment: Missense variant in a coldspot region where missense variants are very unlikely to be pathogenic (PMID:31911673).

BRCA1 coldspot (exon 11 using historical exon numbering). Reclassification based on statistical prior probability

Labcorp Genetics (formerly Invitae), Labcorp
Classification: Uncertain significance for Hereditary breast ovarian cancer syndrome. Last evaluated: 2020-08-18. Review status: criteria provided, single submitter. Criteria: Invitae Variant Classification Sherloc (09022015). Collection method: clinical testing. Allele origin: germline.
Comment: Advanced modeling of protein sequence and biophysical properties (such as structural, functional, and spatial information, amino acid conservation, physicochemical variation, residue mobility, and thermodynamic stability) performed at Invitae indicates that this missense variant is not expected to disrupt BRCA1 protein function. This sequence change replaces methionine with isoleucine at codon 594 of the BRCA1 protein (p.Met594Ile). The methionine residue is moderately conserved and there is a small physicochemical difference between methionine and isoleucine. This variant is not present in population databases (ExAC no frequency). This variant has not been reported in the literature in individuals with BRCA1-related conditions. In summary, the available evidence is currently insufficient to determine the role of this variant in disease. Therefore, it has been classified as a Variant of Uncertain Significance.